The following is an entry in ClinVar:

ClinVar aggregate classification (germline): Uncertain significance (1 of 4 stars; one submission).

Submission:

Labcorp Genetics (formerly Invitae), Labcorp
Classification: Uncertain significance. Last evaluated: 2021-10-12. Review status: criteria provided, single submitter. Criteria: Invitae Variant Classification Sherloc (09022015). Collection method: clinical testing. Allele origin: germline.
Comment: This sequence change replaces tyrosine with histidine at codon 170 of the PDE6B protein (p.Tyr170His). The tyrosine residue is moderately conserved and there is a moderate physicochemical difference between tyrosine and histidine. This variant is not present in population databases (ExAC no frequency). This variant has not been reported in the literature in individuals affected with PDE6B-related conditions. Algorithms developed to predict the effect of missense changes on protein structure and function are either unavailable or do not agree on the potential impact of this missense change (SIFT: "Deleterious"; PolyPhen-2: "Probably Damaging"; Align-GVGD: "Class C0"). In summary, the available evidence is currently insufficient to determine the role of this variant in disease. Therefore, it has been classified as a Variant of Uncertain Significance.

NM_000283.4(PDE6B):c.508T>C (p.Tyr170His)

Gene: PDE6B (phosphodiesterase 6B; plus strand). Cytogenetic location: 4p16.3.
Variant type: single nucleotide variant.
Coding change: c.508T>C on transcript NM_000283.4 (MANE Select); coding-DNA position 508, T replaced by C.
Protein change: p.Tyr170His; replaces tyrosine 170 with histidine.
Molecular consequence: missense variant.
Genome position (GRCh38, 1-based): chr4:634,716, T>C. VCF-style: chr4-634716-T-C. GRCh37 (hg19) VCF-style: chr4-628505-T-C.
Other names: c.508T>C, p.Tyr170His (NM_001145291.2); short protein forms Y170H.
Identifiers: ClinVar variation 1432912 (VCV001432912.6), dbSNP rs2109133162, ClinGen allele CA355908173.